The following is an entry in ClinVar:

NM_001374736.1(DST):c.14650C>G (p.Gln4884Glu)

Gene: DST (dystonin; minus strand). Cytogenetic location: 6p12.1.
Variant type: single nucleotide variant.
Coding change: c.14650C>G on transcript NM_001374736.1 (MANE Select); coding-DNA position 14650, C replaced by G.
Protein change: p.Gln4884Glu; replaces glutamine 4884 with glutamic acid.
Molecular consequence: missense variant.
Genome position (GRCh38, 1-based): chr6:56,555,831, G>C on the plus strand (C>G on the coding strand, the complement: DST is on the minus strand). VCF-style: chr6-56555831-G-C. GRCh37 (hg19) VCF-style: chr6-56420629-G-C.
Other names: c.8293C>G, p.Gln2765Glu (NM_001144769.5); c.7879C>G, p.Gln2627Glu (NM_001144770.2); c.14650C>G, p.Gln4884Glu (NM_001374722.1); c.14017C>G, p.Gln4673Glu (NM_001374729.1); c.7759C>G, p.Gln2587Glu (NM_001374730.1, NM_001386100.1, NM_183380.4); c.14677C>G, p.Gln4893Glu (NM_001374734.1); c.6781C>G, p.Gln2261Glu (NM_015548.5); short protein forms Q2627E, Q2765E, Q2587E, Q2261E, Q4673E, Q4884E, Q4893E.
Identifiers: ClinVar variation 1762776 (VCV001762776.7), dbSNP rs993339227, ClinGen allele CA139207617.
Genomic context (GRCh38, chr6:56,555,831, plus strand): 5'-GAATGCCCTGACCAGCTGCTGTCAGCTGTTCATATTGAGGTTTCCGAGTGGCGAATTCTT[G>C]CAGCAAAATCTAAGGTAACAAGGGTAAACAAACGCAAATTATTATATAATTGATTGTAGA-3'
Protein context (NP_001361665.1, residues 4874-4894): TQRQQVQILL[Gln4884Glu]EFATRKPQYE

ClinVar aggregate classification (germline): Uncertain significance. Review status: criteria provided, multiple submitters, no conflicts (2 of 4 stars). 2 submissions from 2 submitters: Uncertain significance (2). Last evaluated 2022-08-27.

Conditions:
Epidermolysis bullosa simplex 3, localized or generalized intermediate, with BP230 deficiency (EBS3). Also called: Epidermolysis bullosa simplex, autosomal recessive 2; Epidermolysis bullosa simplex due to BP230 deficiency. Identifiers: Orphanet 412181, MedGen C3809470, MONDO:0014180, OMIM 615425.
Hereditary sensory and autonomic neuropathy type 6. Also called: Neuropathy, hereditary sensory and autonomic, type VI; HSAN VI. Identifiers: Orphanet 314381, MedGen C3539003, MONDO:0013839, OMIM 614653.
Inborn genetic diseases. Identifiers: MedGen C0950123, MeSH D030342.

Allele frequency attached by ClinVar (database versions not stated): gnomAD exomes below 0.00001; gnomAD 0.00001; TOPMed 0.00001.
gnomAD v4.1: 5 of 1,491,640 alleles (0.00034%); highest among the groups gnomAD compares: African/African-American, 0.007%; no homozygotes.

Submissions (2):

Ambry Genetics
Classification: Uncertain significance for Inborn genetic diseases. Last evaluated: 2022-08-27. Review status: criteria provided, single submitter. Criteria: Ambry Variant Classification Scheme 2023. Collection method: clinical testing. Allele origin: germline.
Comment: The p.Q2765E variant (also known as c.8293C>G), located in coding exon 54 of the DST gene, results from a C to G substitution at nucleotide position 8293. The glutamine at codon 2765 is replaced by glutamic acid, an amino acid with highly similar properties. This amino acid position is not well conserved in available vertebrate species. In addition, the in silico prediction for this alteration is inconclusive. Since supporting evidence is limited at this time, the clinical significance of this alteration remains unclear.

Labcorp Genetics (formerly Invitae), Labcorp
Classification: Uncertain significance for Epidermolysis bullosa simplex 3, localized or generalized intermediate, with BP230 deficiency; Hereditary sensory and autonomic neuropathy type 6. Last evaluated: 2022-08-20. Review status: criteria provided, single submitter. Criteria: Invitae Variant Classification Sherloc (09022015). Collection method: clinical testing. Allele origin: germline.
Comment: The DST gene has multiple clinically relevant transcripts. This variant occurs in alternate transcript NM_015548.4, and corresponds to NM_001723.5:c.*59686C>G in the primary transcript. This sequence change replaces glutamine, which is neutral and polar, with glutamic acid, which is acidic and polar, at codon 2261 of the DST protein ( p.Gln2261Glu). This variant is present in population databases (no rsID available, gnomAD 0.009%). This variant has not been reported in the literature in individuals affected with DST-related conditions. Algorithms developed to predict the effect of missense changes on protein structure and function are either unavailable or do not agree on the potential impact of this missense change (SIFT: "Not Available"; PolyPhen-2: "Not Available"; Align-GVGD: "Not Available"). In summary, the available evidence is currently insufficient to determine the role of this variant in disease. Therefore, it has been classified as a Variant of Uncertain Significance.